The following is an entry in ClinVar:

NM_001374675.1(HSF4):c.352C>T (p.Arg118Trp)

Gene: HSF4 (heat shock transcription factor 4; plus strand). Cytogenetic location: 16q22.1.
Variant type: single nucleotide variant.
Coding change: c.352C>T on transcript NM_001374675.1 (MANE Select); coding-DNA position 352, C replaced by T.
Protein change: p.Arg118Trp; replaces arginine 118 with tryptophan.
Molecular consequence: missense variant.
Genome position (GRCh38, 1-based): chr16:67,165,838, C>T. VCF-style: chr16-67165838-C-T. GRCh37 (hg19) VCF-style: chr16-67199741-C-T.
Other names: c.352C>T, p.Arg118Trp (NM_001040667.3, NM_001374674.1, NM_001538.4); short protein forms R118W.
Identifiers: ClinVar variation 582457 (VCV000582457.8), dbSNP rs1567668570, ClinGen allele CA396264569.

ClinVar aggregate classification (germline): Likely pathogenic (1 of 4 stars; one submission).

Conditions:
Cataract 5 multiple types (CTRCT5). Also called: Lamellar cataract; CATARACT, MARNER TYPE; CATARACT 5, LAMELLAR. Identifiers: Orphanet 91492, MedGen C0266537, MONDO:0007290, OMIM 116800, HP:0007971.

Submission:

Labcorp Genetics (formerly Invitae), Labcorp
Classification: Likely pathogenic for Cataract 5 multiple types. Last evaluated: 2020-03-06. Review status: criteria provided, single submitter. Criteria: Invitae Variant Classification Sherloc (09022015). Collection method: clinical testing. Allele origin: germline.
Comment: This sequence change replaces arginine with tryptophan at codon 118 of the HSF4 protein (p.Arg118Trp). The arginine residue is moderately conserved and there is a moderate physicochemical difference between arginine and tryptophan. In summary, the currently available evidence indicates that the variant is pathogenic, but additional data are needed to prove that conclusively. Therefore, this variant has been classified as Likely Pathogenic. Algorithms developed to predict the effect of missense changes on protein structure and function are either unavailable or do not agree on the potential impact of this missense change (SIFT: "Deleterious"; PolyPhen-2: "Probably Damaging"; Align-GVGD: "Class C0"). This variant is not present in population databases (ExAC no frequency).